The following is an entry in ClinVar:

ClinVar aggregate classification (germline): Uncertain significance (1 of 4 stars; one submission).

Conditions:
Hereditary spastic paraplegia 11. Also called: Nakamura Osame syndrome; Autosomal recessive hereditary spastic paraplegia, mental impairment, and thin corpus callosum; Spastic paraplegia, mental retardation and thin corpus callosum; SPASTIC PARAPLEGIA, AUTOSOMAL RECESSIVE, COMPLICATED, WITH THIN CORPUS CALLOSUM; SPASTIC PARAPLEGIA, AUTOSOMAL RECESSIVE, WITH MENTAL IMPAIRMENT AND THIN CORPUS CALLOSUM; Spastic Paraplegia 11. Identifiers: Orphanet 2822, MedGen C1858479, MONDO:0011445, OMIM 604360.

Allele frequency attached by ClinVar (database versions not stated): gnomAD exomes below 0.00001; TOPMed below 0.00001.
gnomAD v4.1: 1 of 1,594,164 alleles (0.000063%); highest among the groups gnomAD compares: Non-Finnish European, 0.000085%; no homozygotes.

Submission:

Labcorp Genetics (formerly Invitae), Labcorp
Classification: Uncertain significance for Hereditary spastic paraplegia 11. Last evaluated: 2022-04-23. Review status: criteria provided, single submitter. Criteria: Invitae Variant Classification Sherloc (09022015). Collection method: clinical testing. Allele origin: germline.
Comment: This sequence change replaces alanine, which is neutral and non-polar, with threonine, which is neutral and polar, at codon 3 of the SPG11 protein (p.Ala3Thr). This variant is not present in population databases (gnomAD no frequency). This variant has not been reported in the literature in individuals affected with SPG11-related conditions. ClinVar contains an entry for this variant (Variation ID: 534840). Algorithms developed to predict the effect of missense changes on protein structure and function output the following: SIFT: "Tolerated"; PolyPhen-2: "Not Available"; Align-GVGD: "Class C0". The threonine amino acid residue is found in multiple mammalian species, which suggests that this missense change does not adversely affect protein function. In summary, the available evidence is currently insufficient to determine the role of this variant in disease. Therefore, it has been classified as a Variant of Uncertain Significance.

NM_025137.4(SPG11):c.7G>A (p.Ala3Thr)

Gene: SPG11 (SPG11 vesicle trafficking associated, spatacsin; minus strand). Cytogenetic location: 15q21.1.
Variant type: single nucleotide variant.
Coding change: c.7G>A on transcript NM_025137.4 (MANE Select); coding-DNA position 7, G replaced by A.
Protein change: p.Ala3Thr; replaces alanine 3 with threonine.
Molecular consequence: missense variant.
Genome position (GRCh38, 1-based): chr15:44,663,641, C>T on the plus strand (G>A on the coding strand, the complement: SPG11 is on the minus strand). VCF-style: chr15-44663641-C-T. GRCh37 (hg19) VCF-style: chr15-44955839-C-T.
Other names: c.7G>A, p.Ala3Thr (NM_001160227.2); short protein forms A3T.
Identifiers: ClinVar variation 534840 (VCV000534840.4), dbSNP rs1450340724, ClinGen allele CA392238952.